The following is an entry in ClinVar:

NM_001372076.1(PAX9):c.608del (p.Gly203fs)

Gene: PAX9 (paired box 9; plus strand). Cytogenetic location: 14q13.3.
Variant type: Deletion.
Coding change: c.608del on transcript NM_001372076.1 (MANE Select); coding-DNA position 608, one base deleted (G; older notation c.608delG).
Protein change: p.Gly203fs; shifts the reading frame from glycine 203.
Molecular consequence: frameshift variant.
Genome position (GRCh38, 1-based): chr14:36,663,500, G deleted; the last of 3 consecutive G bases (chr14:36,663,498-36,663,500); deleting any one gives the same sequence. VCF-style (leftmost placement, unchanged base first): chr14-36663497-TG-T. GRCh37 (hg19) VCF-style: chr14-37132702-TG-T.
Other names: c.608del, p.Gly203fs (NM_006194.4); c.608delG (NM_006194.3); short protein forms G203fs.
Identifiers: ClinVar variation 1075023 (VCV001075023.8), dbSNP rs2139108839, ClinGen allele CA2499222622.

ClinVar aggregate classification (germline): Pathogenic. Review status: criteria provided, single submitter (1 of 4 stars). 2 submissions from 2 submitters: Pathogenic (1). 1 of the submissions does not count toward it. Last evaluated 2020-10-19.

Conditions:
Hypodontia. Also called: Partial congenital absence of teeth; TOOTH AGENESIS, FAMILIAL; Tooth agenesis, selective. Identifiers: Orphanet 99798, MedGen C0020608, MONDO:0005486, HP:0000668. Disease mechanism: loss of function.
PAX9-related disorder. Also called: PAX9-related condition.

Submissions (2):

Labcorp Genetics (formerly Invitae), Labcorp
Classification: Pathogenic for Hypodontia. Last evaluated: 2020-10-19. Review status: criteria provided, single submitter. Criteria: Invitae Variant Classification Sherloc (09022015). Collection method: clinical testing. Allele origin: germline.
Comment: Loss-of-function variants in PAX9 are known to be pathogenic (PMID: 14607846, 16236760, 16479262). This variant has not been reported in the literature in individuals with PAX9-related conditions. This variant is not present in population databases (ExAC no frequency). This sequence change creates a premature translational stop signal (p.Gly203Alafs*9) in the PAX9 gene. It is expected to result in an absent or disrupted protein product. For these reasons, this variant has been classified as Pathogenic.

PreventionGenetics, part of Exact Sciences
Classification: Likely pathogenic for PAX9-related condition. Last evaluated: 2024-06-04. Review status: no assertion criteria provided. Collection method: clinical testing. Allele origin: germline. Not counted in ClinVar's aggregate classification.
Comment: The PAX9 c.608delG variant is predicted to result in a frameshift and premature protein termination (p.Gly203Alafs*9). To our knowledge, this variant has not been reported in the literature or in a large population database, indicating this variant is rare. Frameshift variants in PAX9 are expected to be pathogenic. This variant is interpreted as likely pathogenic.

Literature cited by the submitters: PubMed 14607846 (cited by Labcorp Genetics (formerly Invitae), Labcorp); PubMed 16236760 (cited by Labcorp Genetics (formerly Invitae), Labcorp); PubMed 16479262 (cited by Labcorp Genetics (formerly Invitae), Labcorp).